The following is an entry in ClinVar:

NM_001256789.3(CACNA1F):c.3708+4G>T

Gene: CACNA1F (calcium voltage-gated channel subunit alpha1 F; minus strand). Cytogenetic location: Xp11.23.
Variant type: single nucleotide variant.
Coding change: c.3708+4G>T on transcript NM_001256789.3 (MANE Select); 4 bases into the intron after coding-DNA position 3708, G replaced by T.
Molecular consequence: intron variant.
Genome position (GRCh38, 1-based): chrX:49,214,155, C>A on the plus strand (G>T on the coding strand, the complement: CACNA1F is on the minus strand). VCF-style: chrX-49214155-C-A. GRCh37 (hg19) VCF-style: chrX-49070615-C-A.
Other names: c.3741+4G>T (NM_005183.4); c.3546+4G>T (NM_001256790.3).
Identifiers: ClinVar variation 1356553 (VCV001356553.6), dbSNP rs2065686932, ClinGen allele CA2573158894.
Genomic context (GRCh38, chrX:49,214,155, plus strand): 5'-TGCAATGAGCTCCACTCCCAAGGAATTCATCCACTGGTGGGTGGGGCTAGAGAAGGGGGG[C>A]CACCTTGGGCTTGAAGGCGATGATTTTGAGCACCATCTCAATAGTGAAGAGGCCAGTGAA-3'

ClinVar aggregate classification (germline): Uncertain significance (1 of 4 stars; one submission).

Submission:

Labcorp Genetics (formerly Invitae), Labcorp
Classification: Uncertain significance. Last evaluated: 2022-07-12. Review status: criteria provided, single submitter. Criteria: Invitae Variant Classification Sherloc (09022015). Collection method: clinical testing. Allele origin: germline.
Comment: In summary, the available evidence is currently insufficient to determine the role of this variant in disease. Therefore, it has been classified as a Variant of Uncertain Significance. Variants that disrupt the consensus splice site are a relatively common cause of aberrant splicing (PMID: 17576681, 9536098). Algorithms developed to predict the effect of sequence changes on RNA splicing suggest that this variant is not likely to affect RNA splicing. ClinVar contains an entry for this variant (Variation ID: 1356553). This variant has not been reported in the literature in individuals affected with CACNA1F-related conditions. This variant is not present in population databases (gnomAD no frequency). This sequence change falls in intron 30 of the CACNA1F gene. It does not directly change the encoded amino acid sequence of the CACNA1F protein. It affects a nucleotide within the consensus splice site.

Literature cited by the submitters: PubMed 17576681; PubMed 9536098.